The following is an entry in ClinVar:

ClinVar aggregate classification (germline): Uncertain significance. Review status: criteria provided, multiple submitters, no conflicts (2 of 4 stars). 2 submissions from 2 submitters: Uncertain significance (2). Last evaluated 2025-10-23.

Conditions:
Short-rib thoracic dysplasia 14 with polydactyly (SRTD14). Identifiers: Orphanet 397715, MedGen C4225286, MONDO:0014688, OMIM 616546.
Joubert syndrome 23 (JBTS23). Identifiers: Orphanet 475, MedGen C4084822, MONDO:0014664, OMIM 616490.

Allele frequency attached by ClinVar (database versions not stated): TOPMed below 0.00001; ExAC 0.00001.

Submissions (2):

Labcorp Genetics (formerly Invitae), Labcorp
Classification: Uncertain significance for Joubert syndrome 23; Short-rib thoracic dysplasia 14 with polydactyly. Last evaluated: 2025-10-23. Review status: criteria provided, single submitter. Criteria: Invitae Variant Classification Sherloc (09022015). Collection method: clinical testing. Allele origin: germline.
Comment: This sequence change replaces glycine, which is neutral and non-polar, with arginine, which is basic and polar, at codon 1632 of the KIAA0586 protein (p.Gly1632Arg). This variant is present in population databases (rs748083468, gnomAD 0.0009%). This variant has not been reported in the literature in individuals affected with KIAA0586-related conditions. ClinVar contains an entry for this variant (Variation ID: 1357521). An algorithm developed to predict the effect of missense changes on protein structure and function outputs the following: PolyPhen-2: "Probably Damaging". The arginine amino acid residue is found in multiple mammalian species, which suggests that this missense change does not adversely affect protein function. In summary, the available evidence is currently insufficient to determine the role of this variant in disease. Therefore, it has been classified as a Variant of Uncertain Significance.

Genetic Services Laboratory, University of Chicago
Classification: Uncertain significance. Last evaluated: 2023-03-31. Review status: criteria provided, single submitter. Criteria: ACMG Guidelines, 2015. Collection method: clinical testing. Allele origin: germline. Affected: no.
Comment: DNA sequence analysis of the KIAA0586 gene demonstrated a sequence change, c.4894G>A, in exon 34 that results in an amino acid change, p.Gly1632Arg. This sequence change has been described in the gnomAD database in two individuals corresponding to a population frequency of 0.0008% (dbSNP rs748083468). The p.Gly1632Arg change affects a poorly conserved amino acid residue located in a domain of the KIAA0586 protein that is not known to be functional. The p.Gly1632Arg substitution appears to be benign using several in-silico pathogenicity prediction tools (SIFT, PolyPhen2, Align GVGD, REVEL). This sequence change does not appear to have been previously described in individuals with KIAA0586-related disorders. Due to insufficient evidence and the lack of functional studies, the clinical significance of the p.Gly1632Arg change remains unknown at this time.

NM_001329943.3(KIAA0586):c.*3G>A

Gene: KIAA0586 (KIAA0586; plus strand). Cytogenetic location: 14q23.1.
Variant type: single nucleotide variant.
Coding change: c.*3G>A on transcript NM_001329943.3 (MANE Select); 3 bases downstream of the stop codon, G replaced by A.
Molecular consequence: 3 prime UTR variant. On other transcripts: missense variant (2).
Genome position (GRCh38, 1-based): chr14:58,547,935, G>A. VCF-style: chr14-58547935-G-A. GRCh37 (hg19) VCF-style: chr14-59014653-G-A.
Other names: c.4894G>A (NM_001244189.1); c.4894G>A, p.Gly1632Arg (NM_001244189.2); c.*3G>A (NM_001244190.2, NM_001244191.2, NM_001244192.2 and 5 more transcripts); c.4735G>A, p.Gly1579Arg (NM_001329944.2); short protein forms G1632R, G1579R.
Identifiers: ClinVar variation 1357521 (VCV001357521.6), dbSNP rs748083468, ClinGen allele CA7206466.